The following is an entry in ClinVar:

ClinVar aggregate classification (germline): Uncertain significance. Review status: criteria provided, multiple submitters, no conflicts (2 of 4 stars). 3 submissions from 3 submitters: Uncertain significance (3). Last evaluated 2025-10-05.

Conditions:
Cardiomyopathy (CMYO). Also called: Cardiomyopathies. Identifiers: Orphanet 167848, MedGen C0878544, MONDO:0004994, HP:0001638. Inheritance: Various modes of inheritance.
Catecholaminergic polymorphic ventricular tachycardia (CVPT). Also called: Catecholamine-induced polymorphic ventricular tachycardia. Identifiers: Orphanet 3286, MedGen C5574922, MONDO:0017990.

Allele frequency attached by ClinVar (database versions not stated): gnomAD exomes below 0.00001.
gnomAD v4.1: 4 of 1,544,658 alleles (0.00026%); highest among the groups gnomAD compares: Non-Finnish European, 0.00026%; no homozygotes.

Submissions (3):

Color Diagnostics, LLC DBA Color Health
Classification: Uncertain significance for Cardiomyopathy. Last evaluated: 2025-10-05. Review status: criteria provided, single submitter. Criteria: ACMG Guidelines, 2015. Collection method: clinical testing. Allele origin: germline.
Comment: This missense variant replaces isoleucine with threonine at codon 387 of the RYR2 protein. Computational prediction suggests that this variant may not impact protein structure and function. To our knowledge, functional studies have not been reported for this variant. This variant has not been reported in individuals affected with RYR2-related disorders in the literature. This variant has not been identified in the general population by the Genome Aggregation Database (gnomAD). The available evidence is insufficient to determine the role of this variant in disease conclusively. Therefore, this variant is classified as a Variant of Uncertain Significance.

Blueprint Genetics
Classification: Uncertain significance. Last evaluated: 2023-11-15. Review status: criteria provided, single submitter. Criteria: ACMG Guidelines, 2015. Collection method: clinical testing. Allele origin: germline.

All of Us Research Program, National Institutes of Health
Classification: Uncertain significance for Catecholaminergic polymorphic ventricular tachycardia. Last evaluated: 2023-03-09. Review status: criteria provided, single submitter. Criteria: ACMG Guidelines, 2015. Collection method: clinical testing. Allele origin: germline. Inheritance: Autosomal dominant inheritance. Observed: 1 variant allele, 1 heterozygote.
Comment: This missense variant replaces isoleucine with threonine at codon 387 of the RYR2 protein. Computational prediction suggests that this variant may not impact protein structure and function (internally defined REVEL score threshold <= 0.5, PMID: 27666373). To our knowledge, functional studies have not been reported for this variant. This variant has not been reported in individuals affected with RYR2-related disorders in the literature. This variant has not been identified in the general population by the Genome Aggregation Database (gnomAD). The available evidence is insufficient to determine the role of this variant in disease conclusively. Therefore, this variant is classified as a Variant of Uncertain Significance.

This study involves interpretation of variants in research participants for the purpose of population health screening. Participant phenotype was not available at the time of variant classification. Additional details can be found in publication PMID: 35346344, PMCID: PMC8962531

NM_001035.3(RYR2):c.1160T>C (p.Ile387Thr)

Gene: RYR2 (ryanodine receptor 2; plus strand). Cytogenetic location: 1q43.
Variant type: single nucleotide variant.
Coding change: c.1160T>C on transcript NM_001035.3 (MANE Select); coding-DNA position 1160, T replaced by C.
Protein change: p.Ile387Thr; replaces isoleucine 387 with threonine.
Molecular consequence: missense variant.
Genome position (GRCh38, 1-based): chr1:237,441,473, T>C. VCF-style: chr1-237441473-T-C. GRCh37 (hg19) VCF-style: chr1-237604773-T-C.
Other names: short protein forms I387T.
Identifiers: ClinVar variation 3069852 (VCV003069852.3), dbSNP rs1050065450, ClinGen allele CA39778311.